The following is an entry in ClinVar:

NM_000444.6(PHEX):c.1372G>T (p.Asp458Tyr)

Gene: PHEX (phosphate regulating endopeptidase X-linked; plus strand). Cytogenetic location: Xp22.11.
Variant type: single nucleotide variant.
Coding change: c.1372G>T on transcript NM_000444.6 (MANE Select); coding-DNA position 1372, G replaced by T.
Protein change: p.Asp458Tyr; replaces aspartic acid 458 with tyrosine.
Molecular consequence: missense variant.
Genome position (GRCh38, 1-based): chrX:22,133,592, G>T. VCF-style: chrX-22133592-G-T. GRCh37 (hg19) VCF-style: chrX-22151709-G-T.
Other names: c.1372G>T, p.Asp458Tyr (NM_001282754.2); short protein forms D458Y.
Identifiers: ClinVar variation 4711355 (VCV004711355.1).

ClinVar aggregate classification (germline): Uncertain significance (1 of 4 stars; one submission).

Submission:

Labcorp Genetics (formerly Invitae), Labcorp
Classification: Uncertain significance. Last evaluated: 2025-02-25. Review status: criteria provided, single submitter. Criteria: Invitae Variant Classification Sherloc (09022015). Collection method: clinical testing. Allele origin: germline.
Comment: This sequence change replaces aspartic acid, which is acidic and polar, with tyrosine, which is neutral and polar, at codon 458 of the PHEX protein (p.Asp458Tyr). This variant is not present in population databases (gnomAD no frequency). This missense change has been observed in individual(s) with clinical features of PHEX-related conditions (internal data). Invitae Evidence Modeling of protein sequence and biophysical properties (such as structural, functional, and spatial information, amino acid conservation, physicochemical variation, residue mobility, and thermodynamic stability) indicates that this missense variant is expected to disrupt PHEX protein function with a positive predictive value of 80%. In summary, the available evidence is currently insufficient to determine the role of this variant in disease. Therefore, it has been classified as a Variant of Uncertain Significance.